The following is an entry in ClinVar:

ClinVar aggregate classification (germline): Uncertain significance. Review status: reviewed by expert panel (3 of 4 stars). 3 submissions from 3 submitters: Uncertain significance (1). 2 of the submissions do not count toward it. Last evaluated 2024-09-18.

Conditions:
Inborn genetic diseases. Identifiers: MedGen C0950123, MeSH D030342.
Hereditary thrombocytopenia and hematologic cancer predisposition syndrome. Identifiers: Orphanet 71290, MedGen CN281654, MONDO:0011071.
Hereditary thrombocytopenia and hematological cancer predisposition syndrome associated with RUNX1. Also called: Familial Platelet Disorder with Propensity to Acute Myelogenous Leukemia; Familial thrombocytopenia with propensity to acute myelogenous leukemia; PLATELET DISORDER, ASPIRIN-LIKE; RUNX1 Familial Platelet Disorder with Associated Myeloid Malignancies. Identifiers: Orphanet 71290, MedGen C1832388, MeSH C563324, MONDO:0100083, OMIM 601399.

Allele frequency attached by ClinVar (database versions not stated): gnomAD exomes below 0.00001.
gnomAD v4.1: 3 of 1,613,510 alleles (0.00019%); highest among the groups gnomAD compares: Non-Finnish European, 0.00025%; no homozygotes.

Submissions (3):

ClinGen Myeloid Malignancy Variant Curation Expert Panel
Classification: Uncertain significance for Hereditary thrombocytopenia and hematologic cancer predisposition syndrome. Last evaluated: 2024-09-18. Review status: reviewed by expert panel. Criteria: ClinGen MyeloMalig ACMG Specifications v2. Collection method: curation. Allele origin: germline. Inheritance: Autosomal dominant inheritance.
Comment: NM_001754.5(RUNX1):c.718C>G (p.Pro240Ala) is a missense variant which does not meet any ACMG/AMP criteria. In summary, the clinical significance of this variant is uncertain. ACMG/AMP criteria applied, as specified by the Myeloid Malignancy Variant Curation Expert Panel for RUNX1: None.

Ambry Genetics
Classification: Uncertain significance for Inborn genetic diseases. Last evaluated: 2025-04-06. Review status: criteria provided, single submitter. Criteria: Ambry Variant Classification Scheme 2023. Collection method: clinical testing. Allele origin: germline. Not counted in ClinVar's aggregate classification.
Comment: The p.P240A variant (also known as c.718C>G), located in coding exon 6 of the RUNX1 gene, results from a C to G substitution at nucleotide position 718. The proline at codon 240 is replaced by alanine, an amino acid with highly similar properties. This amino acid position is conserved. In addition, this alteration is predicted to be deleterious by in silico analysis. Based on the available evidence, the clinical significance of this variant remains unclear.

Labcorp Genetics (formerly Invitae), Labcorp
Classification: Uncertain significance for Hereditary thrombocytopenia and hematological cancer predisposition syndrome associated with RUNX1. Last evaluated: 2023-05-03. Review status: criteria provided, single submitter. Criteria: Invitae Variant Classification Sherloc (09022015). Collection method: clinical testing. Allele origin: germline. Not counted in ClinVar's aggregate classification.
Comment: In summary, the available evidence is currently insufficient to determine the role of this variant in disease. Therefore, it has been classified as a Variant of Uncertain Significance. Advanced modeling of protein sequence and biophysical properties (such as structural, functional, and spatial information, amino acid conservation, physicochemical variation, residue mobility, and thermodynamic stability) performed at Invitae indicates that this missense variant is not expected to disrupt RUNX1 protein function. ClinVar contains an entry for this variant (Variation ID: 576865). This variant has not been reported in the literature in individuals affected with RUNX1-related conditions. This variant is not present in population databases (gnomAD no frequency). This sequence change replaces proline, which is neutral and non-polar, with alanine, which is neutral and non-polar, at codon 240 of the RUNX1 protein (p.Pro240Ala).

NM_001754.5(RUNX1):c.718C>G (p.Pro240Ala)

Gene: RUNX1 (RUNX family transcription factor 1; minus strand). Cytogenetic location: 21q22.12.
Variant type: single nucleotide variant.
Coding change: c.718C>G on transcript NM_001754.5 (MANE Select); coding-DNA position 718, C replaced by G.
Protein change: p.Pro240Ala; replaces proline 240 with alanine.
Molecular consequence: missense variant.
Genome position (GRCh38, 1-based): chr21:34,834,497, G>C on the plus strand (C>G on the coding strand, the complement: RUNX1 is on the minus strand). VCF-style: chr21-34834497-G-C. GRCh37 (hg19) VCF-style: chr21-36206794-G-C.
Other names: NM_001754.5(RUNX1):c.718C>G; p.Pro240Ala; c.637C>G, p.Pro213Ala (NM_001001890.3, NM_001122607.2); short protein forms P240A, P213A.
Identifiers: ClinVar variation 576865 (VCV000576865.12), dbSNP rs1569037137, ClinGen allele CA410206833.
Genomic context (GRCh38, chr21:34,834,497, plus strand): 5'-TAAAGGCAGTGGAGTGGTTCAGGGAGGCACGAGGGTTGGGCGTGGGGGCTGGGTGGTGTG[G>C]GCTGACCCTCATGGCTGTGCGCCGCAGCTGCTCCAGTTCACTGAGCCGCTCGGAAAAGGA-3'
Protein context (NP_001745.2, residues 230-250): QLRRTAMRVS[Pro240Ala]HHPAPTPNPR